The following is an entry in ClinVar:

NM_000051.4(ATM):c.1843C>G (p.Leu615Val)

Gene: ATM (ATM serine/threonine kinase; plus strand). Cytogenetic location: 11q22.3.
Variant type: single nucleotide variant.
Coding change: c.1843C>G on transcript NM_000051.4 (MANE Select); coding-DNA position 1843, C replaced by G.
Protein change: p.Leu615Val; replaces leucine 615 with valine.
Molecular consequence: missense variant.
Genome position (GRCh38, 1-based): chr11:108,252,857, C>G. VCF-style: chr11-108252857-C-G. GRCh37 (hg19) VCF-style: chr11-108123584-C-G.
Other names: c.1843C>G, p.Leu615Val (NM_001351834.2); short protein forms L615V.
Identifiers: ClinVar variation 1434006 (VCV001434006.6), dbSNP rs1380546088, ClinGen allele CA382535839.

ClinVar aggregate classification (germline): Uncertain significance (1 of 4 stars; one submission).

Conditions:
Ataxia-telangiectasia syndrome (AT). Also called: ATAXIA-TELANGIECTASIA, FRESNO VARIANT; ATAXIA-TELANGIECTASIA, COMPLEMENTATION GROUP A; Ataxia-telangiectasia, complementation group D; AT, COMPLEMENTATION GROUP C; Ataxia telangiectasia (A-T); LOUIS-BAR SYNDROME. Identifiers: Orphanet 100, MedGen C0004135, MONDO:0008840, OMIM 208900.

Submission:

Labcorp Genetics (formerly Invitae), Labcorp
Classification: Uncertain significance for Ataxia-telangiectasia syndrome. Last evaluated: 2023-07-18. Review status: criteria provided, single submitter. Criteria: Invitae Variant Classification Sherloc (09022015). Collection method: clinical testing. Allele origin: germline.
Comment: This sequence change replaces leucine, which is neutral and non-polar, with valine, which is neutral and non-polar, at codon 615 of the ATM protein (p.Leu615Val). In summary, the available evidence is currently insufficient to determine the role of this variant in disease. Therefore, it has been classified as a Variant of Uncertain Significance. This variant disrupts the p.Leu615 amino acid residue in ATM. Other variant(s) that disrupt this residue have been determined to be pathogenic (PMID: 29368341, 30549301, 32901917). This suggests that this residue is clinically significant, and that variants that disrupt this residue are likely to be disease-causing. An algorithm developed to predict the effect of missense changes on protein structure and function (PolyPhen-2) suggests that this variant is likely to be disruptive. ClinVar contains an entry for this variant (Variation ID: 1434006). This variant has not been reported in the literature in individuals affected with ATM-related conditions. This variant is not present in population databases (gnomAD no frequency).

Literature cited by the submitters: PubMed 29368341; PubMed 30549301; PubMed 32901917.